The following is an entry in ClinVar:

NM_201384.3(PLEC):c.10037C>T (p.Ser3346Phe)

Gene: PLEC (plectin; minus strand). Cytogenetic location: 8q24.3.
Variant type: single nucleotide variant.
Coding change: c.10037C>T on transcript NM_201384.3 (MANE Select); coding-DNA position 10037, C replaced by T.
Protein change: p.Ser3346Phe; replaces serine 3346 with phenylalanine.
Molecular consequence: missense variant.
Genome position (GRCh38, 1-based): chr8:143,919,784, G>A on the plus strand (C>T on the coding strand, the complement: PLEC is on the minus strand). VCF-style: chr8-143919784-G-A. GRCh37 (hg19) VCF-style: chr8-144993952-G-A.
Other names: c.10118C>T, p.Ser3373Phe (NM_000445.5); c.9995C>T, p.Ser3332Phe (NM_201378.4); c.9971C>T, p.Ser3324Phe (NM_201379.3); c.10448C>T, p.Ser3483Phe (NM_201380.4); c.9941C>T, p.Ser3314Phe (NM_201381.3); c.10037C>T, p.Ser3346Phe (NM_201382.4); c.10049C>T, p.Ser3350Phe (NM_201383.3); short protein forms S3483F, S3314F, S3346F, S3332F, S3350F, S3373F, S3324F.
Identifiers: ClinVar variation 1044362 (VCV001044362.10), dbSNP rs368616323, ClinGen allele CA4924780.

ClinVar aggregate classification (germline): Uncertain significance. Review status: criteria provided, multiple submitters, no conflicts (2 of 4 stars). 2 submissions from 2 submitters: Uncertain significance (2). Last evaluated 2024-02-15.

Conditions:
Epidermolysis bullosa simplex 5C, with pyloric atresia (EBS5C). Also called: PLEC-Related Epidermolysis Bullosa with Pyloric Atresia; Epidermolysis bullosa simplex with pyloric atresia; PLEC1-Related Epidermolysis Bullosa with Pyloric Atresia. Identifiers: Orphanet 158684, MedGen C2677349, MONDO:0012807, OMIM 612138.
Autosomal recessive limb-girdle muscular dystrophy type 2Q (LGMDR17). Also called: MUSCULAR DYSTROPHY, LIMB-GIRDLE, AUTOSOMAL RECESSIVE 17. Identifiers: Orphanet 254361, MedGen C3150989, MONDO:0013390, OMIM 613723.
Epidermolysis bullosa simplex with nail dystrophy (EBS5D). Identifiers: MedGen C4225309, MONDO:0014661, OMIM 616487.
Epidermolysis bullosa simplex, Ogna type (EBS5A). Also called: Pidermolysis bullosa simplex 5A, Ogna type; EPIDERMOLYSIS BULLOSA SIMPLEX 5A, OGNA TYPE. Identifiers: Orphanet 79401, MedGen C0432317, MONDO:0007555, OMIM 131950.
Epidermolysis bullosa simplex 5B, with muscular dystrophy (EBS5B). Also called: EPIDERMOLYSIS BULLOSA SIMPLEX AND LIMB-GIRDLE MUSCULAR DYSTROPHY; Epidermolysis bullosa simplex with muscular dystrophy. Identifiers: Orphanet 257, MedGen C2931072, MONDO:0009181, OMIM 226670.

Allele frequency attached by ClinVar (database versions not stated): ESP Exome Variant Server 0.00008.

Submissions (2):

Blueprint Genetics
Classification: Uncertain significance. Last evaluated: 2024-02-15. Review status: criteria provided, single submitter. Criteria: ACMG Guidelines, 2015. Collection method: clinical testing. Allele origin: germline.

Labcorp Genetics (formerly Invitae), Labcorp
Classification: Uncertain significance for Autosomal recessive limb-girdle muscular dystrophy type 2Q; Epidermolysis bullosa simplex, Ogna type; Epidermolysis bullosa simplex with nail dystrophy; Epidermolysis bullosa simplex 5C, with pyloric atresia; Epidermolysis bullosa simplex 5B, with muscular dystrophy. Last evaluated: 2020-03-10. Review status: criteria provided, single submitter. Criteria: Invitae Variant Classification Sherloc (09022015). Collection method: clinical testing. Allele origin: germline.
Comment: This sequence change replaces serine with phenylalanine at codon 3373 of the PLEC protein (p.Ser3373Phe). The serine residue is highly conserved and there is a large physicochemical difference between serine and phenylalanine. This variant is present in population databases (rs368616323, ExAC 0.01%). This variant has not been reported in the literature in individuals with PLEC-related conditions. Algorithms developed to predict the effect of missense changes on protein structure and function are either unavailable or do not agree on the potential impact of this missense change (SIFT: "Deleterious"; PolyPhen-2: "Probably Damaging"; Align-GVGD: "Class C0"). In summary, the available evidence is currently insufficient to determine the role of this variant in disease. Therefore, it has been classified as a Variant of Uncertain Significance.